The following is an entry in ClinVar:

NM_005592.4(MUSK):c.2T>C (p.Met1Thr)

Gene: MUSK (muscle associated receptor tyrosine kinase; plus strand). Cytogenetic location: 9q31.3.
Variant type: single nucleotide variant.
Coding change: c.2T>C on transcript NM_005592.4 (MANE Select); coding-DNA position 2, T replaced by C.
Protein change: p.Met1Thr; changes the start codon (methionine 1).
Molecular consequence: missense variant, initiator codon variant.
Genome position (GRCh38, 1-based): chr9:110,668,906, T>C. VCF-style: chr9-110668906-T-C. GRCh37 (hg19) VCF-style: chr9-113431186-T-C.
Other names: c.2T>C, p.Met1Thr (NM_001166280.2, NM_001166281.2); c.2T>C (NM_005592.3); short protein forms M1T.
Identifiers: ClinVar variation 2936081 (VCV002936081.4), dbSNP rs1416057660, ClinGen allele CA374667961.

ClinVar aggregate classification (germline): Pathogenic. Review status: criteria provided, multiple submitters, no conflicts (2 of 4 stars). 2 submissions from 2 submitters: Pathogenic (2). Last evaluated 2024-07-09.

Conditions:
Congenital myasthenic syndrome 9. Also called: Myasthenic syndrome, congenital, 9, associated with acetylcholine receptor deficiency. Identifiers: Orphanet 590, MedGen C4225368, MONDO:0014587, OMIM 616325.
Fetal akinesia deformation sequence 1 (FADS1). Also called: Pena-Shokeir syndrome type I; Fetal akinesia sequence. Identifiers: Orphanet 994, MedGen C1276035, MONDO:0100101, OMIM 208150, HP:0001989.

Allele frequency attached by ClinVar (database versions not stated): gnomAD 0.00001; gnomAD exomes 0.00001; TOPMed 0.00002.

Submissions (2):

GeneDx
Classification: Pathogenic. Last evaluated: 2024-07-09. Review status: criteria provided, single submitter. Criteria: GeneDx Variant Classification Process June 2021. Collection method: clinical testing. Allele origin: germline. Affected: yes.
Comment: Initiation codon variant in a gene for which loss of function is a known mechanism of disease; Not observed at significant frequency in large population cohorts (gnomAD); Has not been previously published as pathogenic or benign to our knowledge

Labcorp Genetics (formerly Invitae), Labcorp
Classification: Pathogenic for Congenital myasthenic syndrome 9; Fetal akinesia deformation sequence 1. Last evaluated: 2023-12-22. Review status: criteria provided, single submitter. Criteria: Invitae Variant Classification Sherloc (09022015). Collection method: clinical testing. Allele origin: germline.
Comment: This sequence change affects the initiator methionine of the MUSK mRNA. The next in-frame methionine is located at codon 48. This variant is not present in population databases (gnomAD no frequency). This variant has not been reported in the literature in individuals affected with MUSK-related conditions. This variant disrupts a region of the MUSK protein in which other variant(s) (p.Asp38Glu) have been determined to be pathogenic (PMID: 24183479, 32453097). This suggests that this is a clinically significant region of the protein, and that variants that disrupt it are likely to be disease-causing. For these reasons, this variant has been classified as Pathogenic.

Literature cited by the submitters: PubMed 24183479 (cited by Labcorp Genetics (formerly Invitae), Labcorp); PubMed 32453097 (cited by Labcorp Genetics (formerly Invitae), Labcorp).